The following is an entry in ClinVar:

ClinVar aggregate classification (germline): Uncertain significance (1 of 4 stars; one submission).

Conditions:
FG syndrome (FGS). Identifiers: MedGen C0220769, MONDO:0002010.

Allele frequency attached by ClinVar (database versions not stated): gnomAD exomes below 0.00001.

Submission:

Labcorp Genetics (formerly Invitae), Labcorp
Classification: Uncertain significance for FG syndrome. Last evaluated: 2023-10-24. Review status: criteria provided, single submitter. Criteria: Invitae Variant Classification Sherloc (09022015). Collection method: clinical testing. Allele origin: germline.
Comment: This sequence change replaces histidine, which is basic and polar, with tyrosine, which is neutral and polar, at codon 179 of the MED12 protein (p.His179Tyr). This variant is not present in population databases (gnomAD no frequency). This variant has not been reported in the literature in individuals affected with MED12-related conditions. Advanced modeling of protein sequence and biophysical properties (such as structural, functional, and spatial information, amino acid conservation, physicochemical variation, residue mobility, and thermodynamic stability) has been performed at Invitae for this missense variant, however the output from this modeling did not meet the statistical confidence thresholds required to predict the impact of this variant on MED12 protein function. In summary, the available evidence is currently insufficient to determine the role of this variant in disease. Therefore, it has been classified as a Variant of Uncertain Significance.

NM_005120.3(MED12):c.535C>T (p.His179Tyr)

Gene: MED12 (mediator complex subunit 12; plus strand). Cytogenetic location: Xq13.1.
Variant type: single nucleotide variant.
Coding change: c.535C>T on transcript NM_005120.3 (MANE Select); coding-DNA position 535, C replaced by T.
Protein change: p.His179Tyr; replaces histidine 179 with tyrosine.
Molecular consequence: missense variant.
Genome position (GRCh38, 1-based): chrX:71,120,152, C>T. VCF-style: chrX-71120152-C-T. GRCh37 (hg19) VCF-style: chrX-70340002-C-T.
Other names: short protein forms H179Y.
Identifiers: ClinVar variation 2771602 (VCV002771602.3), dbSNP rs2519663981, ClinGen allele CA413500261.